The following is an entry in ClinVar:

ClinVar aggregate classification (germline): Pathogenic (1 of 4 stars; one submission).

Submission:

GeneDx
Classification: Pathogenic. Last evaluated: 2025-08-20. Review status: criteria provided, single submitter. Criteria: GeneDx Variant Classification Process June 2021. Collection method: clinical testing. Allele origin: germline. Affected: yes.
Comment: Canonical splice site variant predicted to result in a null allele in a gene for which loss of function is a known mechanism of disease; Not observed at significant frequency in large population cohorts (gnomAD); Has not been previously published as pathogenic or benign to our knowledge

NM_001037.5(SCN1B):c.40+1G>T

Gene: SCN1B (sodium voltage-gated channel beta subunit 1; plus strand). Cytogenetic location: 19q13.11.
Variant type: single nucleotide variant.
Coding change: c.40+1G>T on transcript NM_001037.5 (MANE Select); the canonical splice donor site of the intron after coding-DNA position 40, G replaced by T.
Molecular consequence: splice donor variant.
Genome position (GRCh38, 1-based): chr19:35,030,861, G>T. VCF-style: chr19-35030861-G-T. GRCh37 (hg19) VCF-style: chr19-35521765-G-T.
Other names: c.40+1G>T (NM_199037.5).
Identifiers: ClinVar variation 4796654 (VCV004796654.1).